The following is an entry in ClinVar:

ClinVar aggregate classification (germline): Uncertain significance (1 of 4 stars; one submission).

Conditions:
Familial melanoma. Also called: Hereditary melanoma; Hereditary cutaneous melanoma. Identifiers: Orphanet 618, MedGen C1512419, MONDO:0018961.

Submission:

Labcorp Genetics (formerly Invitae), Labcorp
Classification: Uncertain significance for Familial melanoma. Last evaluated: 2022-11-23. Review status: criteria provided, single submitter. Criteria: Invitae Variant Classification Sherloc (09022015). Collection method: clinical testing. Allele origin: germline.
Comment: This variant, c.122_133del, is a complex sequence change that results in the deletion of 5 and insertion of 1 amino acid(s) in the CDK4 protein (p.Asn41_Gly45delinsSer). This variant is not present in population databases (gnomAD no frequency). This variant has not been reported in the literature in individuals affected with CDK4-related conditions. Experimental studies and prediction algorithms are not available or were not evaluated, and the functional significance of this variant is currently unknown. In summary, the available evidence is currently insufficient to determine the role of this variant in disease. Therefore, it has been classified as a Variant of Uncertain Significance.

NM_000075.4(CDK4):c.122_133del (p.Asn41_Gly45delinsSer)

Genes: CDK4 (cyclin dependent kinase 4; minus strand), LOC130008148 (ATAC-STARR-seq lymphoblastoid silent region 4588; plus strand). Cytogenetic location: 12q14.1.
Variant type: Deletion.
Coding change: c.122_133del on transcript NM_000075.4 (MANE Select); coding-DNA positions 122 to 133, 12 bases deleted (ATGGAGGAGGAG).
Protein change: p.Asn41_Gly45delinsSer.
Molecular consequence: inframe indel.
Genome position (GRCh38, 1-based): chr12:57,751,585-57,751,596, CTCCTCCTCCAT deleted on the plus strand (ATGGAGGAGGAG on the coding strand, the reverse complement: CDK4 is on the minus strand). VCF-style (leftmost placement, unchanged base first): chr12-57751584-CCTCCTCCTCCAT-C. GRCh37 (hg19) VCF-style: chr12-58145367-CCTCCTCCTCCAT-C.
Identifiers: ClinVar variation 2815868 (VCV002815868.3), dbSNP rs2540903821, ClinGen allele CA2739272108.
Genomic context (GRCh38, chr12:57,751,584, plus strand): 5'-GCCTCCAGTCGCCTCAGTAAAGCCACCTCACGAACTGTGCTGATGGGAAGGCCTCCTCCA[CCTCCTCCTCCAT>C]TGGGGACTCTCACACTCTTGAGGGCCACAAAGTGGCCACTGTGGGGATCACGGGCCTTGT-3'